The following is an entry in ClinVar:

ClinVar aggregate classification (germline): Pathogenic. Review status: criteria provided, multiple submitters, no conflicts (2 of 4 stars). 4 submissions from 4 submitters: Pathogenic (3). 1 of the submissions does not count toward it. Last evaluated 2025-08-05.

Conditions:
Inborn genetic diseases. Identifiers: MedGen C0950123, MeSH D030342.
Episodic ataxia type 1 (EA1). Also called: ATAXIA, EPISODIC, WITH MYOKYMIA; MYOKYMIA WITH PERIODIC ATAXIA; PAROXYSMAL ATAXIA WITH NEUROMYOTONIA, HEREDITARY; Episodic ataxia/myokymia syndrome. Identifiers: Orphanet 37612, Orphanet 972, MedGen C1719788, MONDO:0008047, OMIM 160120.

Submissions (4):

3billion
Classification: Pathogenic for Episodic ataxia type 1. Last evaluated: 2025-08-05. Review status: criteria provided, single submitter. Criteria: ACMG Guidelines, 2015. Collection method: clinical testing. Allele origin: germline. Affected: yes.
Comment: The variant is not observed in the gnomAD v4.1.0 dataset. Predicted Consequence/Location: Missense variant. Missense changes are a common disease-causing mechanism. In silico tool predictions suggest damaging effect of the variant on gene or gene product [REVEL: 0.69 (>=0.6, sensitivity 0.68 and specificity 0.92); 3Cnet: 0.84 (> 0.75, sensitivity 0.96 and precision 0.92)]. The same nucleotide change resulting in the same amino acid change has been previously reported as pathogenic/likely pathogenic with strong evidence (ClinVar ID: VCV000013482 /PMID: 7842011). The variant has been reported to co-segregate with the disease in at least 7 similarly affected relatives/individuals in at least two unrelated families (PMID: 7842011). Different missense changes at the same codon (p.Val174Ala, p.Val174Ile) have been reported to be associated with KCNA1-related disorder (ClinVar ID: VCV000959065 /PMID: 35146069). Therefore, this variant is classified as Pathogenic according to the recommendation of ACMG/AMP guideline.

Labcorp Genetics (formerly Invitae), Labcorp
Classification: Pathogenic for Episodic ataxia type 1. Last evaluated: 2024-05-07. Review status: criteria provided, single submitter. Criteria: Invitae Variant Classification Sherloc (09022015). Collection method: clinical testing. Allele origin: germline.
Comment: This sequence change replaces valine, which is neutral and non-polar, with phenylalanine, which is neutral and non-polar, at codon 174 of the KCNA1 protein (p.Val174Phe). This variant is not present in population databases (gnomAD no frequency). This missense change has been observed in individuals with episodic ataxia (PMID: 2245301, 7842011; Invitae). It has also been observed to segregate with disease in related individuals. ClinVar contains an entry for this variant (Variation ID: 13482). Advanced modeling of protein sequence and biophysical properties (such as structural, functional, and spatial information, amino acid conservation, physicochemical variation, residue mobility, and thermodynamic stability) performed at Invitae indicates that this missense variant is not expected to disrupt KCNA1 protein function with a negative predictive value of 80%. For these reasons, this variant has been classified as Pathogenic.

Ambry Genetics
Classification: Pathogenic for Inborn genetic diseases. Last evaluated: 2020-12-29. Review status: criteria provided, single submitter. Criteria: Ambry Variant Classification Scheme 2023. Collection method: clinical testing. Allele origin: germline.
Comment: The c.520G>T (p.V174F) alteration is located in exon 2 (coding exon 1) of the KCNA1 gene. This alteration results from a G to T substitution at nucleotide position 520, causing the valine (V) at amino acid position 174 to be replaced by a phenylalanine (F). Based on data from the Genome Aggregation Database (gnomAD), the KCNA1 c.520G> alteration was not observed, with coverage at this position. The KCNA1 c.520G>T (p.V174F) alteration was shown to segregate with disease in a large pedigree; samples were available from 18 affected family members and 34 unaffected family members (Browne, 1994). The p.V174 amino acid is conserved in available vertebrate species. Functional analysis demonstrated when the V174F alteration was introduced in to Xenopus oocytes, no functional homomeric channels were formed; when introduced with wild-type, almost no current was produced (Adelman, 1995). In a later study, also using Xenpus oocytes, it was shown that V174F shifted the voltage dependence of activation to more positive potentials (Zerr, 1998). The p.V174F alteration is predicted to be probably damaging by Polyphen and deleterious by SIFT in silico analyses. Based on the available evidence, this alteration is classified as pathogenic.

OMIM
Classification: Pathogenic for EPISODIC ATAXIA, TYPE 1. Last evaluated: 1995-12-01. Review status: no assertion criteria provided. Collection method: literature only. Allele origin: germline. Not counted in ClinVar's aggregate classification.

Literature cited by the submitters: PubMed 35146069 (cited by 3billion); PubMed 7842011 (cited by 4 submitters); PubMed 2245301 (cited by Labcorp Genetics (formerly Invitae), Labcorp); PubMed 8845167 (cited by Ambry Genetics and OMIM); PubMed 9526001 (cited by Ambry Genetics).

NM_000217.3(KCNA1):c.520G>T (p.Val174Phe)

Gene: KCNA1 (potassium voltage-gated channel subfamily A member 1; plus strand). Cytogenetic location: 12p13.32.
Variant type: single nucleotide variant.
Coding change: c.520G>T on transcript NM_000217.3 (MANE Select); coding-DNA position 520, G replaced by T.
Protein change: p.Val174Phe; replaces valine 174 with phenylalanine.
Molecular consequence: missense variant.
Genome position (GRCh38, 1-based): chr12:4,911,898, G>T. VCF-style: chr12-4911898-G-T. GRCh37 (hg19) VCF-style: chr12-5021064-G-T.
Other names: short protein forms V174F.
Identifiers: ClinVar variation 13482 (VCV000013482.8), dbSNP rs104894349, ClinGen allele CA256876.